The following is an entry in ClinVar:

ClinVar aggregate classification (germline): Likely benign (0 of 4 stars; one submission).

Conditions:
DNHD1-related disorder. Also called: DNHD1-related condition.

Allele frequency attached by ClinVar (database versions not stated): TOPMed 0.00003; gnomAD 0.00015; gnomAD exomes 0.00025; 1000 Genomes Project 0.00060; 1000 Genomes Project 30x 0.00109; ExAC 0.00202.
gnomAD v4.1: 377 of 1,551,738 alleles (0.024%); highest among the groups gnomAD compares: South Asian, 0.41%; 7 homozygotes.

Submission:

PreventionGenetics, part of Exact Sciences
Classification: Likely benign for DNHD1-related condition. Last evaluated: 2019-05-28. Review status: no assertion criteria provided. Collection method: clinical testing. Allele origin: germline.
Comment: This variant is classified as likely benign based on ACMG/AMP sequence variant interpretation guidelines (Richards et al. 2015 PMID: 25741868, with internal and published modifications).

NM_144666.3(DNHD1):c.3450T>C (p.His1150=)

Gene: DNHD1 (dynein heavy chain domain 1; plus strand). Cytogenetic location: 11p15.4.
Variant type: single nucleotide variant.
Coding change: c.3450T>C on transcript NM_144666.3 (MANE Select); coding-DNA position 3450, T replaced by C.
Protein change: p.His1150=; no amino-acid change (histidine 1150 retained).
Molecular consequence: synonymous variant.
Genome position (GRCh38, 1-based): chr11:6,539,905, T>C. VCF-style: chr11-6539905-T-C. GRCh37 (hg19) VCF-style: chr11-6561135-T-C.
Identifiers: ClinVar variation 3038951 (VCV003038951.2), dbSNP rs563776321, ClinGen allele CA5855903.
Genomic context (GRCh38, chr11:6,539,905, plus strand): 5'-AGTCCTGGTTCCTGAGACCCAGCTGTTCCAGGTCTGGCAGAATGAAAATGAACGAATTCA[T>C]GCCCAAGAGACTATACGGCGGTTGCAGCGGTACTGGGAAGCGCGCCAGCTGCGCCTGCTC-3'
Protein context (NP_653267.2, residues 1140-1160): QVWQNENERI[His1150=]AQETIRRLQR